The following is an entry in ClinVar:

NM_000059.4(BRCA2):c.3329A>T (p.Glu1110Val)

Gene: BRCA2 (BRCA2 DNA repair associated; plus strand). Cytogenetic location: 13q13.1.
Variant type: single nucleotide variant.
Coding change: c.3329A>T on transcript NM_000059.4 (MANE Select); coding-DNA position 3329, A replaced by T.
Protein change: p.Glu1110Val; replaces glutamic acid 1110 with valine.
Molecular consequence: missense variant.
Genome position (GRCh38, 1-based): chr13:32,337,684, A>T. VCF-style: chr13-32337684-A-T. GRCh37 (hg19) VCF-style: chr13-32911821-A-T.
Other names: short protein forms E1110V.
Identifiers: ClinVar variation 141869 (VCV000141869.27), dbSNP rs587782072, ClinGen allele CA017795.

ClinVar aggregate classification (germline): Conflicting classifications of pathogenicity. Review status: criteria provided, conflicting classifications (1 of 4 stars). 8 submissions from 8 submitters: Uncertain significance (6); Likely benign (2). Last evaluated 2025-06-22.

Conditions:
Hereditary cancer-predisposing syndrome. Also called: Neoplastic Syndromes, Hereditary; Hereditary Cancer Syndrome; Hereditary neoplastic syndrome; Tumor predisposition. Identifiers: Orphanet 140162, MedGen C0027672, MeSH D009386, MONDO:0015356.
Hereditary breast ovarian cancer syndrome. Also called: Hereditary breast and ovarian cancer syndrome; Hereditary breast and/or ovarian cancer syndrome; BRCA1- and BRCA2-Associated Hereditary Breast and Ovarian Cancer; Hereditary breast and ovarian cancer; Breast and ovarian cancer; Hereditary breast and ovarian cancer syndrome (HBOC). Identifiers: Orphanet 145, MedGen C0677776, MeSH D061325, MONDO:0003582. Disease mechanism: loss of function.
Breast-ovarian cancer, familial, susceptibility to, 2 (BROVCA2). Also called: BRCA2 Hereditary Breast and Ovarian Cancer. Identifiers: Orphanet 145, MedGen C2675520, MONDO:0012933, OMIM 612555. Disease mechanism: loss of function.

Allele frequency attached by ClinVar (database versions not stated): TOPMed 0.00001; gnomAD 0.00003.
gnomAD v4.1: 4 of 1,598,748 alleles (0.00025%); highest among the groups gnomAD compares: Non-Finnish European, 0.00034%; no homozygotes.

Submissions (8):

Labcorp Genetics (formerly Invitae), Labcorp
Classification: Uncertain significance for Hereditary breast ovarian cancer syndrome. Last evaluated: 2025-06-22. Review status: criteria provided, single submitter. Criteria: Invitae Variant Classification Sherloc (09022015). Collection method: clinical testing. Allele origin: germline.
Comment: This sequence change replaces glutamic acid, which is acidic and polar, with valine, which is neutral and non-polar, at codon 1110 of the BRCA2 protein (p.Glu1110Val). This variant is present in population databases (rs587782072, gnomAD 0.002%). This variant has not been reported in the literature in individuals affected with BRCA2-related conditions. ClinVar contains an entry for this variant (Variation ID: 141869). Invitae Evidence Modeling of protein sequence and biophysical properties (such as structural, functional, and spatial information, amino acid conservation, physicochemical variation, residue mobility, and thermodynamic stability) indicates that this missense variant is not expected to disrupt BRCA2 protein function with a negative predictive value of 95%. RNA analysis performed to evaluate the impact of this missense change on mRNA splicing indicates it does not significantly alter splicing (internal data). In summary, the available evidence is currently insufficient to determine the role of this variant in disease. Therefore, it has been classified as a Variant of Uncertain Significance.

Color Diagnostics, LLC DBA Color Health
Classification: Likely benign for Hereditary cancer-predisposing syndrome. Last evaluated: 2025-02-03. Review status: criteria provided, single submitter. Criteria: ACMG Guidelines, 2015. Collection method: clinical testing. Allele origin: germline.

Ambry Genetics
Classification: Uncertain significance for Hereditary cancer-predisposing syndrome. Last evaluated: 2024-12-18. Review status: criteria provided, single submitter. Criteria: Ambry Variant Classification Scheme 2023. Collection method: clinical testing. Allele origin: germline.
Comment: The p.E1110V variant (also known as c.3329A>T), located in coding exon 10 of the BRCA2 gene, results from an A to T substitution at nucleotide position 3329. The glutamic acid at codon 1110 is replaced by valine, an amino acid with dissimilar properties. This amino acid position is highly conserved in available vertebrate species. In addition, the in silico prediction for this alteration is inconclusive. Based on the available evidence, the clinical significance of this variant remains unclear.

GeneDx
Classification: Uncertain significance. Last evaluated: 2024-09-10. Review status: criteria provided, single submitter. Criteria: GeneDx Variant Classification Process June 2021. Collection method: clinical testing. Allele origin: germline. Affected: yes.
Comment: Not observed at significant frequency in large population cohorts (gnomAD); In silico analysis supports that this missense variant has a deleterious effect on protein structure/function; Has not been previously published as pathogenic or benign to our knowledge; Also known as c.3557A>T; This variant is associated with the following publications: (PMID: 25710373)

All of Us Research Program, National Institutes of Health
Classification: Uncertain significance for Breast-ovarian cancer, familial, susceptibility to, 2. Last evaluated: 2023-10-02. Review status: criteria provided, single submitter. Criteria: ACMG Guidelines, 2015. Collection method: clinical testing. Allele origin: germline. Inheritance: Autosomal dominant inheritance. Observed: 2 variant alleles, 2 heterozygotes.
Comment: This missense variant replaces glutamic acid with valine at codon 1110 of the BRCA2 protein. Computational prediction suggests that this variant may not impact protein structure and function (internally defined REVEL score threshold <= 0.5, PMID: 27666373). To our knowledge, functional studies have not been reported for this variant. This variant has not been reported in individuals affected with hereditary cancer in the literature. This variant has been identified in 3/268100 chromosomes in the general population by the Genome Aggregation Database (gnomAD). The available evidence is insufficient to determine the role of this variant in disease conclusively. Therefore, this variant is classified as a Variant of Uncertain Significance.

This study involves interpretation of variants in research participants for the purpose of population health screening. Participant phenotype was not available at the time of variant classification. Additional details can be found in publication PMID: 35346344, PMCID: PMC8962531

University of Washington Department of Laboratory Medicine, University of Washington
Classification: Likely benign for Hereditary cancer-predisposing syndrome. Last evaluated: 2023-03-23. Review status: criteria provided, single submitter. Criteria: Dines et al. (Genet Med. 2020). Collection method: curation. Allele origin: germline.
Comment: Missense variant in a coldspot region where missense variants are very unlikely to be pathogenic (PMID:31911673).

BRCA2 exon 11 coldspot. Reclassification based on statistical prior probability.

Women's Health and Genetics/Laboratory Corporation of America, LabCorp
Classification: Uncertain significance. Last evaluated: 2021-11-29. Review status: criteria provided, single submitter. Criteria: LabCorp Variant Classification Summary - May 2015. Collection method: clinical testing. Allele origin: germline.
Comment: Variant summary: BRCA2 c.3329A>T (p.Glu1110Val) results in a non-conservative amino acid change in the encoded protein sequence. Four of five in-silico tools predict a damaging effect of the variant on protein function. The variant allele was found at a frequency of 8.4e-06 in 236698 control chromosomes (gnomAD). The available data on variant occurrences in the general population are insufficient to allow any conclusion about variant significance. c.3329A>T has been reported in the literature in one individual affected with high-grade serous ovarian cancer (HGSOC) (Schwarz_2015). This report do not provide unequivocal conclusions about association of the variant with Hereditary Breast And Ovarian Cancer Syndrome. To our knowledge, no experimental evidence demonstrating an impact on protein function has been reported. Four clinical diagnostic laboratories have submitted clinical-significance assessments for this variant to ClinVar after 2014 and all laboratories classified the variant as uncertain significance. Based on the evidence outlined above, the variant was classified as uncertain significance.

Sema4
Classification: Uncertain significance for Hereditary cancer-predisposing syndrome. Last evaluated: 2021-09-26. Review status: criteria provided, single submitter. Criteria: Sema4 Curation Guidelines. Collection method: curation. Allele origin: germline.
Comment: The BRCA2 c.3329A>T (p.E1110V) variant has been reported as a somatic variant in 1 individual with high grade serous ovarian cancer (PMID 25710373). This variant was observed in 3/124582 chromosomes in the Non-Finnish European population according to the Genome Aggregation Database (PMID: 32461654). The variant has been reported in ClinVar (Variation ID 141869). Functional studies have not been performed, and in silico predictions of the variant's effect on protein function are inconclusive. The overall evidence is insufficient to meet ACMG/AMP criteria for classifying it as benign or pathogenic. In summary, the clinical significance of this variant is currently uncertain.

Literature cited by the submitters: PubMed 25710373 (cited by 3 submitters).